The following is an entry in ClinVar:

ClinVar aggregate classification (germline): Likely benign (0 of 4 stars; one submission).

Conditions:
PRLR-related disorder. Also called: PRLR-related condition.

Allele frequency attached by ClinVar (database versions not stated): TOPMed 0.00001; gnomAD 0.00009; 1000 Genomes Project 0.00060; 1000 Genomes Project 30x 0.00078.
gnomAD v4.1: 378 of 1,613,984 alleles (0.023%); highest among the groups gnomAD compares: South Asian, 0.41%; 6 homozygotes.

Submission:

PreventionGenetics, part of Exact Sciences
Classification: Likely benign for PRLR-related condition. Last evaluated: 2019-06-07. Review status: no assertion criteria provided. Collection method: clinical testing. Allele origin: germline.
Comment: This variant is classified as likely benign based on ACMG/AMP sequence variant interpretation guidelines (Richards et al. 2015 PMID: 25741868, with internal and published modifications).

NM_000949.7(PRLR):c.1155T>C (p.Asn385=)

Gene: PRLR (prolactin receptor; minus strand). Cytogenetic location: 5p13.2.
Variant type: single nucleotide variant.
Coding change: c.1155T>C on transcript NM_000949.7 (MANE Select); coding-DNA position 1155, T replaced by C.
Protein change: p.Asn385=; no amino-acid change (asparagine 385 retained).
Molecular consequence: synonymous variant. On other transcripts: intron variant (4).
Genome position (GRCh38, 1-based): chr5:35,065,803, A>G on the plus strand (T>C on the coding strand, the complement: PRLR is on the minus strand). VCF-style: chr5-35065803-A-G. GRCh37 (hg19) VCF-style: chr5-35065905-A-G.
Other names: c.852T>C, p.Asn284= (NM_001204314.2); c.685+4321T>C (NM_001204318.1); c.855+2413T>C (NM_001204317.1); c.1009+146T>C (NM_001204316.1, NM_001204315.1).
Identifiers: ClinVar variation 3044456 (VCV003044456.2), dbSNP rs534398516, ClinGen allele CA3229693.